The following is an entry in ClinVar:

ClinVar aggregate classification (germline): Benign (0 of 4 stars; one submission).

Conditions:
DHX34-related disorder. Also called: DHX34-related condition.

Allele frequency attached by ClinVar (database versions not stated): ExAC 0.08586; ESP Exome Variant Server 0.10206; gnomAD 0.10880; TOPMed 0.11817; 1000 Genomes Project 0.12161; 1000 Genomes Project 30x 0.12383; gnomAD exomes 0.06118.
gnomAD v4.1: 105,995 of 1,605,952 alleles (6.6%); highest among the groups gnomAD compares: African/African-American, 23%; 4,883 homozygotes.

Submission:

PreventionGenetics, part of Exact Sciences
Classification: Benign for DHX34-related condition. Last evaluated: 2019-11-06. Review status: no assertion criteria provided. Collection method: clinical testing. Allele origin: germline.
Comment: This variant is classified as benign based on ACMG/AMP sequence variant interpretation guidelines (Richards et al. 2015 PMID: 25741868, with internal and published modifications).

NM_014681.6(DHX34):c.1593+9T>C

Gene: DHX34 (DExH-box helicase 34; plus strand). Cytogenetic location: 19q13.32.
Variant type: single nucleotide variant.
Coding change: c.1593+9T>C on transcript NM_014681.6 (MANE Select); 9 bases into the intron after coding-DNA position 1593, T replaced by C.
Molecular consequence: intron variant.
Genome position (GRCh38, 1-based): chr19:47,362,702, T>C. VCF-style: chr19-47362702-T-C. GRCh37 (hg19) VCF-style: chr19-47865959-T-C.
Identifiers: ClinVar variation 3060131 (VCV003060131.2), dbSNP rs2547389, ClinGen allele CA9538133.
Genomic context (GRCh38, chr19:47,362,702, plus strand): 5'-CTACCCCGTCCCAGAAATTCGGAGGGTGGCCCTGGACTCGTTGGTGCTGCAGGTGAGGCA[T>C]GGGCAGAAAGGGGACTATATCCTAACTGCTGGCACAGGGAGGAACCTGGGAGGCCTTTTT-3'